The following is an entry in ClinVar:

NM_001605.3(AARS1):c.46G>A (p.Asp16Asn)

Gene: AARS1 (alanyl-tRNA synthetase 1; minus strand). Cytogenetic location: 16q22.1.
Variant type: single nucleotide variant.
Coding change: c.46G>A on transcript NM_001605.3 (MANE Select); coding-DNA position 46, G replaced by A.
Protein change: p.Asp16Asn; replaces aspartic acid 16 with asparagine.
Molecular consequence: missense variant.
Genome position (GRCh38, 1-based): chr16:70,282,718, C>T on the plus strand (G>A on the coding strand, the complement: AARS1 is on the minus strand). VCF-style: chr16-70282718-C-T. GRCh37 (hg19) VCF-style: chr16-70316621-C-T.
Other names: short protein forms D16N.
Identifiers: ClinVar variation 2058361 (VCV002058361.4), dbSNP rs149690357, ClinGen allele CA8141243.

ClinVar aggregate classification (germline): Uncertain significance (1 of 4 stars; one submission).

Conditions:
Charcot-Marie-Tooth disease type 2. Also called: Charcot-Marie-Tooth type 2. Identifiers: Orphanet 64746, MedGen C0270914, MONDO:0018993.

Allele frequency attached by ClinVar (database versions not stated): ExAC 0.00001; ESP Exome Variant Server 0.00008.

Submission:

Labcorp Genetics (formerly Invitae), Labcorp
Classification: Uncertain significance for Charcot-Marie-Tooth disease type 2. Last evaluated: 2022-01-28. Review status: criteria provided, single submitter. Criteria: Invitae Variant Classification Sherloc (09022015). Collection method: clinical testing. Allele origin: germline.
Comment: In summary, the available evidence is currently insufficient to determine the role of this variant in disease. Therefore, it has been classified as a Variant of Uncertain Significance. Algorithms developed to predict the effect of missense changes on protein structure and function output the following: SIFT: "Tolerated"; PolyPhen-2: "Benign"; Align-GVGD: "Class C0". The asparagine amino acid residue is found in multiple mammalian species, which suggests that this missense change does not adversely affect protein function. This variant has not been reported in the literature in individuals affected with AARS-related conditions. This variant is not present in population databases (gnomAD no frequency). This sequence change replaces aspartic acid, which is acidic and polar, with asparagine, which is neutral and polar, at codon 16 of the AARS protein (p.Asp16Asn).